The following is an entry in ClinVar:

ClinVar aggregate classification (germline): Pathogenic. Review status: reviewed by expert panel (3 of 4 stars). 5 submissions from 5 submitters: Pathogenic (1). 4 of the submissions do not count toward it. Last evaluated 2016-09-08.

Conditions:
Hereditary cancer-predisposing syndrome. Also called: Hereditary Cancer Syndrome; Neoplastic Syndromes, Hereditary; Hereditary neoplastic syndrome; Tumor predisposition. Identifiers: Orphanet 140162, MedGen C0027672, MeSH D009386, MONDO:0015356.
Hereditary breast ovarian cancer syndrome. Also called: Hereditary breast and ovarian cancer syndrome (HBOC); Breast and ovarian cancer; Hereditary breast and ovarian cancer syndrome; Hereditary breast and ovarian cancer; BRCA1- and BRCA2-Associated Hereditary Breast and Ovarian Cancer; Hereditary breast and/or ovarian cancer syndrome. Identifiers: Orphanet 145, MedGen C0677776, MeSH D061325, MONDO:0003582. Disease mechanism: loss of function.
Breast-ovarian cancer, familial, susceptibility to, 1 (BROVCA1). Also called: BRCA1 Hereditary Breast and Ovarian Cancer; OVARIAN CANCER, SUSCEPTIBILITY TO. Identifiers: Orphanet 145, MedGen C2676676, MONDO:0011450, OMIM 604370. Disease mechanism: loss of function.

Submissions (5):

Evidence-based Network for the Interpretation of Germline Mutant Alleles (ENIGMA)
Classification: Pathogenic for Breast-ovarian cancer, familial, susceptibility to, 1. Last evaluated: 2016-09-08. Review status: reviewed by expert panel. Criteria: ENIGMA BRCA1/2 Classification Criteria (2015). Collection method: curation. Allele origin: germline.
Comment: Variant allele predicted to encode a truncated non-functional protein.

Ambry Genetics
Classification: Pathogenic for Hereditary cancer-predisposing syndrome. Last evaluated: 2025-01-09. Review status: criteria provided, single submitter. Criteria: Ambry Variant Classification Scheme 2023. Collection method: clinical testing. Allele origin: germline. Not counted in ClinVar's aggregate classification.
Comment: The c.4483delA pathogenic mutation, located in coding exon 12 of the BRCA1 gene, results from a deletion of one nucleotide at nucleotide position 4483, causing a translational frameshift with a predicted alternate stop codon (p.R1495Gfs*10). This variant was identified in an individual with a personal and/or family history of breast and/or ovarian cancer (Teixeira N et al. Eur J Hum Genet, 2018 Jun;26:848-857). This variant is considered to be rare based on population cohorts in the Genome Aggregation Database (gnomAD). In addition to the clinical data presented in the literature, this alteration is expected to result in loss of function by premature protein truncation or nonsense-mediated mRNA decay. As such, this alteration is interpreted as a disease-causing mutation.

Labcorp Genetics (formerly Invitae), Labcorp
Classification: Pathogenic for Hereditary breast ovarian cancer syndrome. Last evaluated: 2023-04-22. Review status: criteria provided, single submitter. Criteria: Invitae Variant Classification Sherloc (09022015). Collection method: clinical testing. Allele origin: germline. Not counted in ClinVar's aggregate classification.
Comment: For these reasons, this variant has been classified as Pathogenic. ClinVar contains an entry for this variant (Variation ID: 254455). This premature translational stop signal has been observed in individual(s) with a personal and/or family history of breast and/or ovarian cancer (PMID: 29483665). This variant is not present in population databases (gnomAD no frequency). This sequence change creates a premature translational stop signal (p.Arg1495Glyfs*10) in the BRCA1 gene. It is expected to result in an absent or disrupted protein product. Loss-of-function variants in BRCA1 are known to be pathogenic (PMID: 20104584).

Diagnostic Laboratory, Department of Genetics, University Medical Center Groningen
Classification: Pathogenic. Review status: no assertion criteria provided. Collection method: clinical testing. Allele origin: germline. Affected: yes. Study: VKGL Data-share Consensus. Not counted in ClinVar's aggregate classification.

Laboratory of Diagnostic Genome Analysis, Leiden University Medical Center (LUMC)
Classification: Pathogenic. Review status: no assertion criteria provided. Collection method: clinical testing. Allele origin: germline. Affected: yes. Study: VKGL Data-share Consensus. Not counted in ClinVar's aggregate classification.

Literature cited by the submitters: PubMed 29483665 (cited by Ambry Genetics and Labcorp Genetics (formerly Invitae), Labcorp); PubMed 20104584 (cited by Labcorp Genetics (formerly Invitae), Labcorp).

NM_007294.4(BRCA1):c.4483del (p.Arg1495fs)

Gene: BRCA1 (BRCA1 DNA repair associated; minus strand). Cytogenetic location: 17q21.31.
Variant type: Deletion.
Coding change: c.4483del on transcript NM_007294.4 (MANE Select); coding-DNA position 4483, one base deleted (A; older notation c.4483delA).
Protein change: p.Arg1495fs; shifts the reading frame from arginine 1495.
Molecular consequence: frameshift variant. On other transcripts: non-coding transcript variant (1).
Genome position (GRCh38, 1-based): chr17:43,076,489, T deleted on the plus strand (A on the coding strand, the reverse complement: BRCA1 is on the minus strand); the first of 3 consecutive T bases (chr17:43,076,489-43,076,491); deleting any one gives the same sequence. VCF-style (leftmost placement, unchanged base first): chr17-43076488-CT-C. GRCh37 (hg19) VCF-style: chr17-41228505-CT-C.
Other names: c.4483delA (NM_007294.3); c.1091delA, p.Arg365Glyfs (NM_001408415.1, NM_001408416.1, NM_001408412.1 and 2 more transcripts); c.1055delA, p.Arg353Glyfs (NM_001408418.1, NM_001408419.1, NM_001408420.1); c.1052delA, p.Arg352Glyfs (NM_001408421.1, NM_001408422.1, NM_001408423.1 and 1 more transcripts); c.1049delA, p.Arg351Glyfs (NM_001408425.1, NM_001408426.1, NM_001408427.1 and 4 more transcripts); c.1046delA, p.Arg350Glyfs (NM_001408432.1, NM_001408433.1, NM_001408434.1 and 10 more transcripts); c.1043delA, p.Arg349Glyfs (NM_001408445.1, NM_001408446.1, NM_001408447.1 and 2 more transcripts); c.1037delA, p.Arg347Glyfs (NM_001408451.1); and 72 more; short protein forms R1448fs, R1495fs, R1516fs, R391fs.
Identifiers: ClinVar variation 254455 (VCV000254455.14), dbSNP rs80357854, ClinGen allele CA10586609.